The following is an entry in ClinVar:

NM_001100913.3(PACS2):c.2142dup (p.Ser715fs)

Gene: PACS2 (phosphofurin acidic cluster sorting protein 2; plus strand). Cytogenetic location: 14q32.33.
Variant type: Duplication.
Coding change: c.2142dup on transcript NM_001100913.3 (MANE Select); coding-DNA position 2142, one base duplicated (C; older notation c.2142dupC).
Protein change: p.Ser715fs; shifts the reading frame from serine 715.
Molecular consequence: frameshift variant.
Genome position (GRCh38, 1-based): chr14:105,391,653, C duplicated; the last of 5 consecutive C bases (chr14:105,391,649-105,391,653); duplicating any one gives the same sequence. VCF-style (leftmost placement, unchanged base first): chr14-105391648-G-GC. GRCh37 (hg19) VCF-style: chr14-105857985-G-GC.
Other names: c.1872dup, p.Ser625fs (NM_001243127.3); c.2097dup, p.Ser700fs (NM_015197.4); short protein forms S625fs, S700fs, S715fs.
Identifiers: ClinVar variation 3343369 (VCV003343369.1).
Genomic context (GRCh38, chr14:105,391,648, plus strand): 5'-AGCAGCAGGTGGGCTCAGCCTGCCCTGTGACTCCTCCCCAAAGGCGACTCGGACGACGCG[G>GC]CCCCCTCGGGCTCTGGCACGCTCTCCTCCACCCCGCCGTCCGCATCTCCTGCGGCCAAGG-3'

ClinVar aggregate classification (germline): Uncertain significance (1 of 4 stars; one submission).

Submission:

GeneDx
Classification: Uncertain significance. Last evaluated: 2023-05-15. Review status: criteria provided, single submitter. Criteria: GeneDx Variant Classification Process June 2021. Collection method: clinical testing. Allele origin: germline. Affected: yes.
Comment: Has not been previously published as pathogenic or benign to our knowledge; Frameshift variant predicted to result in protein truncation or nonsense mediated decay in a gene or region of a gene for which loss of function is not a well-established mechanism of disease; Not observed at significant frequency in large population cohorts (gnomAD)